The following is an entry in ClinVar:

NM_007272.3(CTRC):c.29T>C (p.Leu10Pro)

Gene: CTRC (chymotrypsin C; plus strand). Cytogenetic location: 1p36.21.
Variant type: single nucleotide variant.
Coding change: c.29T>C on transcript NM_007272.3 (MANE Select); coding-DNA position 29, T replaced by C.
Protein change: p.Leu10Pro; replaces leucine 10 with proline.
Molecular consequence: missense variant.
Genome position (GRCh38, 1-based): chr1:15,438,493, T>C. VCF-style: chr1-15438493-T-C. GRCh37 (hg19) VCF-style: chr1-15764989-T-C.
Other names: short protein forms L10P.
Identifiers: ClinVar variation 1798638 (VCV001798638.2), dbSNP rs758984378, ClinGen allele CA613184.
Genomic context (GRCh38, chr1:15,438,493, plus strand): 5'-CCCGATGGTCAGCCAGTCCTGAGCACCTAACCATGTTGGGCATCACTGTCCTCGCTGCGC[T>C]CTTGGCCTGTGGTAAGCGGTGGGGTGGGGCTGCAGCTAGCAGGCTGTGAGCTCGGGCTGG-3'
Protein context (NP_009203.2, residues 1-20): MLGITVLAA[Leu10Pro]LACASSCGVP

ClinVar aggregate classification (germline): Uncertain significance (1 of 4 stars; one submission).

Conditions:
Hereditary pancreatitis (PCTT). Also called: Hereditary chronic pancreatitis; PRSS1-Related Hereditary Pancreatitis. Identifiers: Orphanet 676, MedGen C0238339, MONDO:0008185, OMIM 167800.

Allele frequency attached by ClinVar (database versions not stated): gnomAD exomes 0.00001; ExAC 0.00002.
gnomAD v4.1: 3 of 1,614,024 alleles (0.00019%); highest among the groups gnomAD compares: South Asian, 0.0033%; no homozygotes.

Submission:

Ambry Genetics
Classification: Uncertain significance for Hereditary pancreatitis. Last evaluated: 2016-02-26. Review status: criteria provided, single submitter. Criteria: Ambry Variant Classification Scheme 2023. Collection method: clinical testing. Allele origin: germline.
Comment: The p.L10P variant (also known as c.29T>C), located in coding exon 1 of the CTRC gene, results from a T to C substitution at nucleotide position 29. The leucine at codon 10 is replaced by proline, an amino acid with similar properties. This variant was not reported in population based cohorts in the following databases: Database of Single Nucleotide Polymorphisms (dbSNP), NHLBI Exome Sequencing Project (ESP), and 1000 Genomes Project. In the ESP, this variant was not observed in 6503 samples (13006 alleles) with coverage at this position. This amino acid position is not well conserved in available vertebrate species. In addition, this alteration is predicted to be deleterious by in silico analysis. Based on available evidence to date, the clinical significance of this variant remains unclear.